The following is an entry in ClinVar:

ClinVar aggregate classification (germline): Benign. Review status: criteria provided, multiple submitters, no conflicts (2 of 4 stars). 2 submissions from 2 submitters: Benign (2). Last evaluated 2013-02-21.

Allele frequency attached by ClinVar (database versions not stated): ESP Exome Variant Server 0.05149; gnomAD exomes 0.03586 and 0.03877; gnomAD 0.04886 and 0.04932; ExAC 0.03955; 1000 Genomes Project 30x 0.05153; 1000 Genomes Project 0.05052; TOPMed 0.05211.
gnomAD v4.1: 59,597 of 1,598,328 alleles (3.7%); highest among the groups gnomAD compares: African/African-American, 9.7%; 1,441 homozygotes.

Submissions (2):

Laboratory for Molecular Medicine, Mass General Brigham Personalized Medicine
Classification: Benign. Last evaluated: 2013-02-21. Review status: criteria provided, single submitter. Criteria: LMM Criteria. Collection method: clinical testing. Allele origin: germline. Observed: 11 variant alleles.
Comment: 15477+11G>A in intron 34 of MUC5B: This variant is not expected to have clinical significance because it is not located within the conserved splice consensus se quence. It has been identified in 8.9% (375/4212) of African American chromosome s from a broad population by the NHLBI Exome Sequencing Project (dbSNP rs56088961).

Breakthrough Genomics
Classification: Benign. Review status: criteria provided, single submitter. Criteria: ACMG Guidelines, 2015. Collection method: not provided. Allele origin: germline. Inheritance: Autosomal dominant inheritance. Affected: yes.

NM_002458.3(MUC5B):c.15477+11G>A

Gene: MUC5B (mucin 5B, oligomeric mucus/gel-forming; plus strand). Cytogenetic location: 11p15.5.
Variant type: single nucleotide variant.
Coding change: c.15477+11G>A on transcript NM_002458.3 (MANE Select); 11 bases into the intron after coding-DNA position 15477, G replaced by A.
Molecular consequence: intron variant.
Genome position (GRCh38, 1-based): chr11:1,254,362, G>A. VCF-style: chr11-1254362-G-A. GRCh37 (hg19) VCF-style: chr11-1275592-G-A.
Identifiers: ClinVar variation 164002 (VCV000164002.5), dbSNP rs56088961, ClinGen allele CA176767.